The following is an entry in ClinVar:

ClinVar aggregate classification (germline): Benign/Likely benign. Review status: criteria provided, multiple submitters, no conflicts (2 of 4 stars). 3 submissions from 3 submitters: Benign (1); Likely benign (2). Last evaluated 2024-04-26.

Conditions:
Familial cancer of breast. Also called: BREAST CANCER, FAMILIAL; hereditary breast carcinoma; Hereditary breast cancer. Identifiers: Orphanet 227535, MedGen C0346153, MONDO:0016419, OMIM 114480. Disease mechanism: loss of function.
Ataxia-telangiectasia syndrome (AT). Also called: ATAXIA-TELANGIECTASIA, COMPLEMENTATION GROUP A; ATAXIA-TELANGIECTASIA, FRESNO VARIANT; Ataxia-telangiectasia; Ataxia telangiectasia (A-T); LOUIS-BAR SYNDROME; Ataxia-telangiectasia, complementation group D. Identifiers: Orphanet 100, MedGen C0004135, MONDO:0008840, OMIM 208900.
Hereditary cancer-predisposing syndrome. Also called: Tumor predisposition; Neoplastic Syndromes, Hereditary; Hereditary Cancer Syndrome; Hereditary neoplastic syndrome. Identifiers: Orphanet 140162, MedGen C0027672, MeSH D009386, MONDO:0015356.

Submissions (3):

Myriad Genetics, Inc.
Classification: Benign for Familial cancer of breast. Last evaluated: 2024-04-26. Review status: criteria provided, single submitter. Criteria: Myriad Autosomal Dominant, Autosomal Recessive and X-Linked Classification Criteria (2023). Collection method: clinical testing. Allele origin: unknown.
Comment: This variant is considered benign. This variant is a silent/synonymous amino acid change and it is not expected to impact splicing.

Labcorp Genetics (formerly Invitae), Labcorp
Classification: Likely benign for Ataxia-telangiectasia syndrome. Last evaluated: 2023-05-20. Review status: criteria provided, single submitter. Criteria: Invitae Variant Classification Sherloc (09022015). Collection method: clinical testing. Allele origin: germline.

Ambry Genetics
Classification: Likely benign for Hereditary cancer-predisposing syndrome. Last evaluated: 2020-09-07. Review status: criteria provided, single submitter. Criteria: Ambry Variant Classification Scheme 2023. Collection method: clinical testing. Allele origin: germline.

NM_000051.4(ATM):c.1374C>T (p.Cys458=)

Gene: ATM (ATM serine/threonine kinase; plus strand). Cytogenetic location: 11q22.3.
Variant type: single nucleotide variant.
Coding change: c.1374C>T on transcript NM_000051.4 (MANE Select); coding-DNA position 1374, C replaced by T.
Protein change: p.Cys458=; no amino-acid change (cysteine 458 retained).
Molecular consequence: synonymous variant.
Genome position (GRCh38, 1-based): chr11:108,250,839, C>T. VCF-style: chr11-108250839-C-T. GRCh37 (hg19) VCF-style: chr11-108121566-C-T.
Other names: c.1374C>T, p.Cys458= (NM_001351834.2).
Identifiers: ClinVar variation 1090625 (VCV001090625.12), dbSNP rs2135320531, ClinGen allele CA476671953.